The following is an entry in ClinVar:

NM_001395159.1(UNC79):c.7578C>A (p.Ile2526=)

Gene: UNC79 (unc-79 subunit of NALCN channel complex; plus strand). Cytogenetic location: 14q32.12.
Variant type: single nucleotide variant.
Coding change: c.7578C>A on transcript NM_001395159.1 (MANE Select); coding-DNA position 7578, C replaced by A.
Protein change: p.Ile2526=; no amino-acid change (isoleucine 2526 retained).
Molecular consequence: synonymous variant.
Genome position (GRCh38, 1-based): chr14:93,690,276, C>A. VCF-style: chr14-93690276-C-A. GRCh37 (hg19) VCF-style: chr14-94156622-C-A.
Other names: c.7512C>A, p.Ile2504= (NM_001346218.2); c.6831C>A, p.Ile2277= (NM_020818.5).
Identifiers: ClinVar variation 4981247 (VCV004981247.1).
Genomic context (GRCh38, chr14:93,690,276, plus strand): 5'-TCCCTGCCTGCCCATTCCTCTGGATGCAGGCTCCCACGTTGCAGACCATCTTATTGTTAT[C>A]CTGATTGGATTTCCAGAGCAATCAAAGGTAAGTGATTTCTGCAAGATTAAGACCGTATGC-3'
Protein context (NP_001382088.1, residues 2516-2536): GSHVADHLIV[Ile2526=]LIGFPEQSKT

ClinVar aggregate classification (germline): Likely benign (1 of 4 stars; one submission).

Conditions:
UNC79-related disorder. Also called: UNC79-related condition.

gnomAD v4.1: 455 of 1,613,926 alleles (0.028%); highest among the groups gnomAD compares: Non-Finnish European, 0.017%; no homozygotes.

Submission:

PreventionGenetics, part of Exact Sciences
Classification: Likely benign for UNC79-related condition. Last evaluated: 2025-10-03. Review status: criteria provided, single submitter. Criteria: ACMG Guidelines, 2015. Collection method: clinical testing. Allele origin: germline.
Comment: This variant is classified as likely benign based on ACMG/AMP sequence variant interpretation guidelines (Richards et al. 2015 PMID: 25741868, with internal and published modifications).